The following is an entry in ClinVar:

ClinVar aggregate classification (germline): Uncertain significance. Review status: criteria provided, single submitter (1 of 4 stars). 2 submissions from 1 submitter: Uncertain significance (2). Last evaluated 2021-03-30.

Conditions:
Ehlers-Danlos syndrome, classic type, 2 (EDSCL2). Also called: Ehlers-Danlos syndrome type 2 (formerly); Ehlers-Danlos Syndrome, Classic Type, COL5A2-Related; Ehlers-Danlos syndrome, type 2. Identifiers: Orphanet 287, Orphanet 90318, MedGen C0268336, MONDO:0019568, OMIM 130010.
Ehlers-Danlos syndrome, classic type (cEDS). Identifiers: Orphanet 287, MedGen C4225429, MONDO:0007522.

Allele frequency attached by ClinVar (database versions not stated): gnomAD exomes below 0.00001.
gnomAD v4.1: 1 of 1,609,132 alleles (0.000062%); highest among the groups gnomAD compares: Admixed American, 0.0017%; no homozygotes.

Submissions (2):

Center for Genomics, Ann and Robert H. Lurie Children's Hospital of Chicago
Classification: Uncertain significance for Ehlers-Danlos syndrome, classic type, 2. Last evaluated: 2021-03-30. Review status: criteria provided, single submitter. Criteria: ACMG Guidelines, 2015. Collection method: clinical testing. Allele origin: germline.
Comment: COL5A2 NM_000393.4 exon 1 p.Pro10Thr (c.28C>A): This variant has not been reported in the literature but is present in 0.002% (1/33936) of Latino alleles in the Genome Aggregation Database. This variant amino acid Threonine (Thr) is present in >20 species and is not well conserved among evolutionarily distant species; this suggests that this variant may not impact the protein. Additional computational prediction tools do not suggest an impact. In summary, data on this variant is insufficient for disease classification. Therefore, the clinical significance of this variant is uncertain.

Center for Genomics, Ann and Robert H. Lurie Children's Hospital of Chicago
Classification: Uncertain significance for Ehlers-Danlos syndrome, classic type, 1. Last evaluated: 2020-07-02. Review status: criteria provided, single submitter. Criteria: ACMG Guidelines, 2015. Collection method: clinical testing. Allele origin: germline.
Comment: the same text as in the submission from Center for Genomics, Ann and Robert H. Lurie Children's Hospital of Chicago above.

NM_000393.5(COL5A2):c.28C>A (p.Pro10Thr)

Gene: COL5A2 (collagen type V alpha 2 chain; minus strand). Cytogenetic location: 2q32.2.
Variant type: single nucleotide variant.
Coding change: c.28C>A on transcript NM_000393.5 (MANE Select); coding-DNA position 28, C replaced by A.
Protein change: p.Pro10Thr; replaces proline 10 with threonine.
Molecular consequence: missense variant.
Genome position (GRCh38, 1-based): chr2:189,179,577, G>T on the plus strand (C>A on the coding strand, the complement: COL5A2 is on the minus strand). VCF-style: chr2-189179577-G-T. GRCh37 (hg19) VCF-style: chr2-190044303-G-T.
Other names: short protein forms P10T.
Identifiers: ClinVar variation 992510 (VCV000992510.4), dbSNP rs1457897938, ClinGen allele CA349986308.